The following is an entry in ClinVar:

NM_001323289.2(CDKL5):c.491A>G (p.Asn164Ser)

Gene: CDKL5 (cyclin dependent kinase like 5; plus strand). Cytogenetic location: Xp22.13.
Variant type: single nucleotide variant.
Coding change: c.491A>G on transcript NM_001323289.2 (MANE Select); coding-DNA position 491, A replaced by G.
Protein change: p.Asn164Ser; replaces asparagine 164 with serine.
Molecular consequence: missense variant.
Genome position (GRCh38, 1-based): chrX:18,584,290, A>G. VCF-style: chrX-18584290-A-G. GRCh37 (hg19) VCF-style: chrX-18602410-A-G.
Other names: c.491A>G, p.Asn164Ser (NM_001037343.2, NM_003159.3); short protein forms N164S.
Identifiers: ClinVar variation 4088237 (VCV004088237.2).

ClinVar aggregate classification (germline): Uncertain significance. Review status: criteria provided, multiple submitters, no conflicts (2 of 4 stars). 2 submissions from 2 submitters: Uncertain significance (2). Last evaluated 2026-06-22.

Conditions:
Developmental and epileptic encephalopathy, 2 (DEE2). Also called: INFANTILE SPASM SYNDROME, X-LINKED 2; CDKL5 deficiency disorder. Identifiers: Orphanet 1934, Orphanet 3451, Orphanet 505652, MedGen C4750718, MONDO:0010396, OMIM 300672.

gnomAD v4.1: 1 of 1,205,471 alleles (0.000083%); no homozygotes.

Submissions (2):

Victorian Clinical Genetics Services, Murdoch Childrens Research Institute
Classification: Uncertain significance for Developmental and epileptic encephalopathy, 2. Last evaluated: 2026-06-22. Review status: criteria provided, single submitter. Criteria: ACMG Guidelines, 2015. Collection method: clinical testing. Allele origin: germline. Affected: yes.
Comment: This variant is classified as VUS-3A. Evidence in support of pathogenic classification: Variant is present in gnomAD <0.001 for a dominant condition (v4: 1 heterozygote(s), 0 homozygote(s), 0 hemizygote(s)); Variant is located in a hotspot region or cluster of PATHOGENIC variants. This variant is located in the N-terminus protein kinase domain where pathogenic missense variants cluster (DECIPHER). Evidence in support of benign classification: Missense variant predicted to be tolerated by in silico tool(s) or not conserved in placental mammals with a minor amino acid change. Additional information: Variant is predicted to result in a missense amino acid change from Asn to Ser; This variant is heterozygous; This gene is associated with X-linked dominant disease; Previous evidence of pathogenicity for this variant is inconclusive. This variant has been classified as a VUS by a clinical laboratory in ClinVar. - No published evidence of segregation with disease has been identified for this variant; No published functional evidence has been identified for this variant; No comparable missense variants have previous evidence for pathogenicity; Loss of function is a known mechanism of disease in this gene and is associated with developmental and epileptic encephalopathy 2 (MIM#300672); Variants in this gene are known to have variable expressivity. Variable expressivity is reported to be dependent on the variant type and position, X-chromosome inactivation in females or post-zygotic mosaicism in males (PMID: 33989939); Inheritance information for this variant is not currently available in this individual.

GeneDx
Classification: Uncertain significance. Last evaluated: 2025-03-27. Review status: criteria provided, single submitter. Criteria: GeneDx Variant Classification Process June 2021. Collection method: clinical testing. Allele origin: germline. Affected: yes.
Comment: Not observed at significant frequency in large population cohorts (gnomAD); In silico analysis indicates that this missense variant does not alter protein structure/function; Has not been previously published as pathogenic or benign to our knowledge

Literature cited by the submitters: PubMed 33989939 (cited by Victorian Clinical Genetics Services, Murdoch Childrens Research Institute).